The following is an entry in ClinVar:

ClinVar aggregate classification (germline): Pathogenic. Review status: criteria provided, multiple submitters, no conflicts (2 of 4 stars). 5 submissions from 5 submitters: Pathogenic (4). 1 of the submissions does not count toward it. Last evaluated 2025-05-30.

Conditions:
Hereditary cancer-predisposing syndrome. Also called: Tumor predisposition; Neoplastic Syndromes, Hereditary; Hereditary Cancer Syndrome; Hereditary neoplastic syndrome. Identifiers: Orphanet 140162, MedGen C0027672, MeSH D009386, MONDO:0015356.
VHL-related disorder. Also called: VHL-related condition.
Von Hippel-Lindau syndrome (VHLS). Also called: von Hippel–Lindau syndrome; Von Hippel-Lindau; VHL syndrome. Identifiers: Orphanet 892, MedGen C0019562, MONDO:0008667, OMIM 193300. Disease mechanism: loss of function.
Chuvash polycythemia. Also called: POLYCYTHEMIA, VHL-DEPENDENT. Identifiers: Orphanet 238557, MedGen C1837915, MONDO:0009892, OMIM 263400.

Submissions (5):

GeneDx
Classification: Pathogenic. Last evaluated: 2025-05-30. Review status: criteria provided, single submitter. Criteria: GeneDx Variant Classification Process June 2021. Collection method: clinical testing. Allele origin: germline. Affected: yes.
Comment: Nonsense variant predicted to result in protein truncation or nonsense mediated decay in a gene for which loss of function is a known mechanism of disease; Not observed at significant frequency in large population cohorts (gnomAD); Also known as c.550C>T; p.R184*; This variant is associated with the following publications: (PMID: 25683602, 15300849, 7987306, 22799452, 28650583, 36625343, 27527340, 36905328, 12202531, 34566400, 9829912, 30278534)

Blueprint Genetics
Classification: Pathogenic for VHL-related disorders. Last evaluated: 2024-10-02. Review status: criteria provided, single submitter. Criteria: ACMG Guidelines, 2015. Collection method: clinical testing. Allele origin: germline. Affected: yes. Observed: 2 variant alleles.

Ambry Genetics
Classification: Pathogenic for Hereditary cancer-predisposing syndrome. Last evaluated: 2022-11-22. Review status: criteria provided, single submitter. Criteria: Ambry Variant Classification Scheme 2023. Collection method: clinical testing. Allele origin: germline.
Comment: The p.R113* pathogenic mutation (also known as c.337C>T), located in coding exon 1 of the VHL gene, results from a C to T substitution at nucleotide position 337. This changes the amino acid from an arginine to a stop codon within coding exon 1. This pathogenic variant has been reported in multiple individuals diagnosed with von Hippel-Lindau syndrome (VHL) (Launbjerg K et al. Am J Med Genet A. 2017 Sep;173:2381-2394; Nguyen TH et al. Medicine (Baltimore).2018 Sep;97:e12477; Murro V et al. Mol Vis. 2021 Sep;27:542-554). This variant is considered to be rare based on population cohorts in the Genome Aggregation Database (gnomAD). In addition to the clinical data presented in the literature, this alteration is expected to result in loss of function by premature protein truncation or nonsense-mediated mRNA decay. As such, this alteration is interpreted as a disease-causing mutation.

Labcorp Genetics (formerly Invitae), Labcorp
Classification: Pathogenic for Von Hippel-Lindau syndrome; Chuvash polycythemia. Last evaluated: 2022-10-15. Review status: criteria provided, single submitter. Criteria: Invitae Variant Classification Sherloc (09022015). Collection method: clinical testing. Allele origin: germline.
Comment: This premature translational stop signal has been observed in individual(s) with von Hippel-Lindau syndrome (PMID: 7987306, 15300849, 19464396, 22799452). For these reasons, this variant has been classified as Pathogenic. ClinVar contains an entry for this variant (Variation ID: 220414). This variant is also known as 550C>T (codon 184 ARG>TER). This variant is not present in population databases (gnomAD no frequency). This sequence change creates a premature translational stop signal (p.Arg113*) in the VHL gene. It is expected to result in an absent or disrupted protein product. Loss-of-function variants in VHL are known to be pathogenic (PMID: 8956040, 12202531, 29891534, 31350093).

Genomic Diagnostic Laboratory, Division of Genomic Diagnostics, Children's Hospital of Philadelphia
Classification: Pathogenic for Von Hippel-Lindau syndrome. Last evaluated: 2016-02-26. Review status: no assertion criteria provided. Collection method: clinical testing. Allele origin: germline. Affected: yes. Observed: 6 variant alleles. Not counted in ClinVar's aggregate classification.

Literature cited by the submitters: PubMed 28650583 (cited by Ambry Genetics); PubMed 30278534 (cited by Ambry Genetics); PubMed 34566400 (cited by Ambry Genetics); PubMed 7987306 (cited by Labcorp Genetics (formerly Invitae), Labcorp); PubMed 15300849 (cited by Labcorp Genetics (formerly Invitae), Labcorp); PubMed 19464396 (cited by Labcorp Genetics (formerly Invitae), Labcorp); PubMed 22799452 (cited by Labcorp Genetics (formerly Invitae), Labcorp); PubMed 8956040 (cited by Labcorp Genetics (formerly Invitae), Labcorp); PubMed 12202531 (cited by Labcorp Genetics (formerly Invitae), Labcorp); PubMed 29891534 (cited by Labcorp Genetics (formerly Invitae), Labcorp); PubMed 31350093 (cited by Labcorp Genetics (formerly Invitae), Labcorp).

NM_000551.4(VHL):c.337C>T (p.Arg113Ter)

Gene: VHL (von Hippel-Lindau tumor suppressor; plus strand). Cytogenetic location: 3p25.3.
Variant type: single nucleotide variant.
Coding change: c.337C>T on transcript NM_000551.4 (MANE Select); coding-DNA position 337, C replaced by T.
Protein change: p.Arg113Ter; replaces arginine 113 with a stop codon.
Molecular consequence: nonsense.
Genome position (GRCh38, 1-based): chr3:10,142,184, C>T. VCF-style: chr3-10142184-C-T. GRCh37 (hg19) VCF-style: chr3-10183868-C-T.
Other names: c.337C>T, p.Arg113Ter (NM_001354723.2, NM_198156.3); short protein forms R113*.
Identifiers: ClinVar variation 220414 (VCV000220414.12), dbSNP rs5030810, ClinGen allele CA348491.